The following is an entry in ClinVar:

ClinVar aggregate classification (germline): Uncertain significance (1 of 4 stars; one submission).

Conditions:
Catecholaminergic polymorphic ventricular tachycardia 1. Also called: VENTRICULAR TACHYCARDIA, STRESS-INDUCED POLYMORPHIC 1; VENTRICULAR TACHYCARDIA, CATECHOLAMINERGIC POLYMORPHIC, 1, WITH OR WITHOUT ATRIAL DYSFUNCTION AND/OR DILATED CARDIOMYOPATHY; RYR2-Related Catecholaminergic Polymorphic Ventricular Tachycardia. Identifiers: Orphanet 3286, MedGen C1631597, MONDO:0011484, OMIM 604772.

Allele frequency attached by ClinVar (database versions not stated): gnomAD exomes below 0.00001; ExAC 0.00001.
gnomAD v4.1: 1 of 1,611,932 alleles (0.000062%); highest among the groups gnomAD compares: Admixed American, 0.0017%; no homozygotes.

Submission:

Labcorp Genetics (formerly Invitae), Labcorp
Classification: Uncertain significance for Catecholaminergic polymorphic ventricular tachycardia 1. Last evaluated: 2026-01-13. Review status: criteria provided, single submitter. Criteria: Invitae Variant Classification Sherloc (09022015). Collection method: clinical testing. Allele origin: germline.
Comment: This sequence change replaces glycine, which is neutral and non-polar, with valine, which is neutral and non-polar, at codon 4321 of the RYR2 protein (p.Gly4321Val). This variant is present in population databases (rs759106923, gnomAD 0.003%). This variant has not been reported in the literature in individuals affected with RYR2-related conditions. ClinVar contains an entry for this variant (Variation ID: 2898786). Invitae Evidence Modeling of protein sequence and biophysical properties (such as structural, functional, and spatial information, amino acid conservation, physicochemical variation, residue mobility, and thermodynamic stability) indicates that this missense variant is expected to disrupt RYR2 protein function with a positive predictive value of 95%. In summary, the available evidence is currently insufficient to determine the role of this variant in disease. Therefore, it has been classified as a Variant of Uncertain Significance.

NM_001035.3(RYR2):c.12962G>T (p.Gly4321Val)

Genes: RYR2 (ryanodine receptor 2; plus strand), LOC126806068 (BRD4-independent group 4 enhancer GRCh37_chr1:237947411-237948610; plus strand). Cytogenetic location: 1q43.
Variant type: single nucleotide variant.
Coding change: c.12962G>T on transcript NM_001035.3 (MANE Select); coding-DNA position 12962, G replaced by T.
Protein change: p.Gly4321Val; replaces glycine 4321 with valine.
Molecular consequence: missense variant.
Genome position (GRCh38, 1-based): chr1:237,784,674, G>T. VCF-style: chr1-237784674-G-T. GRCh37 (hg19) VCF-style: chr1-237947974-G-T.
Other names: short protein forms G4321V.
Identifiers: ClinVar variation 2898786 (VCV002898786.3), dbSNP rs759106923, ClinGen allele CA085278.